The following is an entry in ClinVar:

NM_001378457.1(DMXL2):c.73G>C (p.Asp25His)

Gene: DMXL2 (Dmx like 2; minus strand). Cytogenetic location: 15q21.2.
Variant type: single nucleotide variant.
Coding change: c.73G>C on transcript NM_001378457.1 (MANE Select); coding-DNA position 73, G replaced by C.
Protein change: p.Asp25His; replaces aspartic acid 25 with histidine.
Molecular consequence: missense variant. On other transcripts: non-coding transcript variant (2).
Genome position (GRCh38, 1-based): chr15:51,622,473, C>G on the plus strand (G>C on the coding strand, the complement: DMXL2 is on the minus strand). VCF-style: chr15-51622473-C-G. GRCh37 (hg19) VCF-style: chr15-51914670-C-G.
Other names: c.73G>C, p.Asp25His (NM_001174116.3, NM_001174117.3, NM_001378458.1 and 7 more transcripts); short protein forms D25H.
Identifiers: ClinVar variation 1927247 (VCV001927247.4), dbSNP rs931705040, ClinGen allele CA270850539.

ClinVar aggregate classification (germline): Uncertain significance (1 of 4 stars; one submission).

Allele frequency attached by ClinVar (database versions not stated): TOPMed below 0.00001; gnomAD 0.00001.
gnomAD v4.1: 4 of 1,565,974 alleles (0.00026%); highest among the groups gnomAD compares: South Asian, 0.0012%; no homozygotes.

Submission:

Labcorp Genetics (formerly Invitae), Labcorp
Classification: Uncertain significance. Last evaluated: 2022-06-27. Review status: criteria provided, single submitter. Criteria: Invitae Variant Classification Sherloc (09022015). Collection method: clinical testing. Allele origin: germline.
Comment: In summary, the available evidence is currently insufficient to determine the role of this variant in disease. Therefore, it has been classified as a Variant of Uncertain Significance. Algorithms developed to predict the effect of missense changes on protein structure and function are either unavailable or do not agree on the potential impact of this missense change (SIFT: "Tolerated"; PolyPhen-2: "Possibly Damaging"; Align-GVGD: "Class C0"). This variant has not been reported in the literature in individuals affected with DMXL2-related conditions. This variant is not present in population databases (gnomAD no frequency). This sequence change replaces aspartic acid, which is acidic and polar, with histidine, which is basic and polar, at codon 25 of the DMXL2 protein (p.Asp25His).